The following is an entry in ClinVar:

NM_000443.4(ABCB4):c.3197C>A (p.Ala1066Asp)

Gene: ABCB4 (ATP binding cassette subfamily B member 4; minus strand). Cytogenetic location: 7q21.12.
Variant type: single nucleotide variant.
Coding change: c.3197C>A on transcript NM_000443.4 (MANE Select); coding-DNA position 3197, C replaced by A.
Protein change: p.Ala1066Asp; replaces alanine 1066 with aspartic acid.
Molecular consequence: missense variant.
Genome position (GRCh38, 1-based): chr7:87,408,119, G>T on the plus strand (C>A on the coding strand, the complement: ABCB4 is on the minus strand). VCF-style: chr7-87408119-G-T. GRCh37 (hg19) VCF-style: chr7-87037435-G-T.
Other names: c.3197C>A, p.Ala1066Asp (NM_018849.3); c.3056C>A, p.Ala1019Asp (NM_018850.3); short protein forms A1019D, A1066D.
Identifiers: ClinVar variation 4846382 (VCV004846382.1).
Genomic context (GRCh38, chr7:87,408,119, plus strand): 5'-TAGAACCGCTCCAGGAGCTGGACCACCGTGCTCTTCCCACAGCCACTGCTGCCCACCAGG[G>T]CTAGTGTCTGGCCTTTCTTCACCTCCAGGCTCAGCCCCTGAAGCACTGGCACGTTTGCTC-3'
Protein context (NP_000434.1, residues 1056-1076): SLEVKKGQTL[Ala1066Asp]LVGSSGCGKS

ClinVar aggregate classification (germline): Uncertain significance (1 of 4 stars; one submission).

Conditions:
Familial intrahepatic cholestasis. Identifiers: Orphanet 284385, MedGen CN296401, MONDO:0017290.

Submission:

Genomenon, Inc
Classification: Uncertain significance for Familial intrahepatic cholestasis. Last evaluated: 2026-04-14. Review status: criteria provided, single submitter. Criteria: Genomenon Sequence Variant Interpretation Standards - Updated. Collection method: curation. Allele origin: germline. Affected: yes.
Comment: ABCB4 p.Ala1066Asp (c.3197C>A) is a missense variant that changes the amino acid at residue 1066 from Alanine to Aspartic acid. This variant has been observed in at least one proband with an ABCB4-related disorder (PMID:41165782). It is absent or not present at a significant frequency in gnomAD. In silico models predict that this variant is possibly or probably damaging. In conclusion, we classify ABCB4 p.Ala1066Asp (c.3197C>A) as a variant of uncertain significance.

Literature cited by the submitters: PubMed 41165782.